The following is an entry in ClinVar:

ClinVar aggregate classification (germline): Uncertain significance (1 of 4 stars; one submission).

Conditions:
Familial acute necrotizing encephalopathy (IIAE3). Also called: ENCEPHALOPATHY, ACUTE, INFECTION-INDUCED, SUSCEPTIBILITY TO, 3; Susceptibility to Acute Necrotizing Encephalopathy 1. Identifiers: Orphanet 88619, MedGen C2675556, MONDO:0011953, OMIM 608033.

Allele frequency attached by ClinVar (database versions not stated): gnomAD exomes below 0.00001 and 0.00001; ExAC 0.00002; gnomAD 0.00002 and 0.00003; TOPMed 0.00004; 1000 Genomes Project 0.00040; 1000 Genomes Project 30x 0.00062.
gnomAD v4.1: 9 of 1,612,754 alleles (0.00056%); highest among the groups gnomAD compares: African/African-American, 0.0093%; no homozygotes.

Submission:

Labcorp Genetics (formerly Invitae), Labcorp
Classification: Uncertain significance for Familial acute necrotizing encephalopathy. Last evaluated: 2022-03-23. Review status: criteria provided, single submitter. Criteria: Invitae Variant Classification Sherloc (09022015). Collection method: clinical testing. Allele origin: germline.
Comment: In summary, the available evidence is currently insufficient to determine the role of this variant in disease. Therefore, it has been classified as a Variant of Uncertain Significance. Algorithms developed to predict the effect of missense changes on protein structure and function (SIFT, PolyPhen-2, Align-GVGD) all suggest that this variant is likely to be tolerated. ClinVar contains an entry for this variant (Variation ID: 1058311). This variant has not been reported in the literature in individuals affected with RANBP2-related conditions. This variant is present in population databases (rs560513063, gnomAD 0.02%). This sequence change replaces glycine, which is neutral and non-polar, with glutamic acid, which is acidic and polar, at codon 2833 of the RANBP2 protein (p.Gly2833Glu).

NM_006267.5(RANBP2):c.8498G>A (p.Gly2833Glu)

Gene: RANBP2 (RAN binding protein 2; plus strand). Cytogenetic location: 2q13.
Variant type: single nucleotide variant.
Coding change: c.8498G>A on transcript NM_006267.5 (MANE Select); coding-DNA position 8498, G replaced by A.
Protein change: p.Gly2833Glu; replaces glycine 2833 with glutamic acid.
Molecular consequence: missense variant.
Genome position (GRCh38, 1-based): chr2:108,777,130, G>A. VCF-style: chr2-108777130-G-A. GRCh37 (hg19) VCF-style: chr2-109393586-G-A.
Other names: short protein forms G2833E.
Identifiers: ClinVar variation 1058311 (VCV001058311.10), dbSNP rs560513063, ClinGen allele CA1823864.